The following is an entry in ClinVar:

GRCh37/hg19 1p32.3(chr1:55464606-55482845)

Gene: BSND (barttin CLCNK type accessory subunit beta; plus strand). Cytogenetic location: 1p32.3.
Variant type: copy number loss.
Identifiers: ClinVar variation 1179115 (VCV001179115.2).

ClinVar aggregate classification (germline): Pathogenic (0 of 4 stars; one submission).

Conditions:
Bartter disease type 4A. Also called: BARTTER SYNDROME, TYPE 4A, NEONATAL, WITH SENSORINEURAL DEAFNESS; BARTTER SYNDROME, NEONATAL, WITH SENSORINEURAL DEAFNESS. Identifiers: Orphanet 112, MedGen C1865270, MONDO:0011242, OMIM 602522.

Submission:

Fulgent Genetics
Classification: Pathogenic for Bartter disease type 4A. Review status: no assertion criteria provided. Collection method: clinical testing. Allele origin: unknown.
Comment: This variant has been detected in individual(s) who were sent for testing of Renasight - kidney gene panel.